The following is an entry in ClinVar:

NM_001378030.1(CCDC78):c.862C>T (p.Arg288Cys)

Gene: CCDC78 (coiled-coil domain containing 78; minus strand). Cytogenetic location: 16p13.3.
Variant type: single nucleotide variant.
Coding change: c.862C>T on transcript NM_001378030.1 (MANE Select); coding-DNA position 862, C replaced by T.
Protein change: p.Arg288Cys; replaces arginine 288 with cysteine.
Molecular consequence: missense variant. On other transcripts: non-coding transcript variant (5).
Genome position (GRCh38, 1-based): chr16:724,413, G>A on the plus strand (C>T on the coding strand, the complement: CCDC78 is on the minus strand). VCF-style: chr16-724413-G-A. GRCh37 (hg19) VCF-style: chr16-774413-G-A.
Other names: c.862C>T, p.Arg288Cys (NM_001031737.3, NM_001378031.1); c.295C>T, p.Arg99Cys (NM_001378033.1); short protein forms R99C, R288C.
Identifiers: ClinVar variation 966902 (VCV000966902.11), dbSNP rs764179609, ClinGen allele CA7789374.

ClinVar aggregate classification (germline): Uncertain significance. Review status: criteria provided, multiple submitters, no conflicts (2 of 4 stars). 3 submissions from 3 submitters: Uncertain significance (2). 1 of the submissions does not count toward it. Last evaluated 2025-11-12.

Conditions:
Inborn genetic diseases. Identifiers: MedGen C0950123, MeSH D030342.
Congenital myopathy with internal nuclei and atypical cores. Also called: Myopathy, centronuclear, 4. Identifiers: Orphanet 319160, MedGen C4707232, MONDO:0013890, OMIM 614807.

Allele frequency attached by ClinVar (database versions not stated): TOPMed 0.00002; gnomAD exomes 0.00004.
gnomAD v4.1: 83 of 1,609,914 alleles (0.0052%); highest among the groups gnomAD compares: Middle Eastern, 0.016%; no homozygotes.

Submissions (3):

Labcorp Genetics (formerly Invitae), Labcorp
Classification: Uncertain significance for Congenital myopathy with internal nuclei and atypical cores. Last evaluated: 2025-11-12. Review status: criteria provided, single submitter. Criteria: Invitae Variant Classification Sherloc (09022015). Collection method: clinical testing. Allele origin: germline.
Comment: This sequence change replaces arginine, which is basic and polar, with cysteine, which is neutral and slightly polar, at codon 288 of the CCDC78 protein (p.Arg288Cys). This variant is present in population databases (rs764179609, gnomAD 0.01%). This variant has not been reported in the literature in individuals affected with CCDC78-related conditions. ClinVar contains an entry for this variant (Variation ID: 966902). Invitae Evidence Modeling of protein sequence and biophysical properties (such as structural, functional, and spatial information, amino acid conservation, physicochemical variation, residue mobility, and thermodynamic stability) indicates that this missense variant is expected to disrupt CCDC78 protein function with a positive predictive value of 80%. In summary, the available evidence is currently insufficient to determine the role of this variant in disease. Therefore, it has been classified as a Variant of Uncertain Significance.

Ambry Genetics
Classification: Uncertain significance for Inborn genetic diseases. Last evaluated: 2022-11-18. Review status: criteria provided, single submitter. Criteria: Ambry Variant Classification Scheme 2023. Collection method: clinical testing. Allele origin: germline.

Department of Pathology and Laboratory Medicine, Sinai Health System
Classification: Likely benign. Review status: no assertion criteria provided. Collection method: clinical testing. Allele origin: unknown. Affected: yes. Study: The Canadian Open Genetics Repository (COGR). Not counted in ClinVar's aggregate classification.
Comment: The CCDC78 p.Arg288Cys variant was not identified in the literature nor was it identified in ClinVar. The variant was identified in dbSNP (ID: rs764179609) and in control databases in 11 of 274772 chromosomes at a frequency of 0.00004003 (Genome Aggregation Database March 6, 2019, v2.1.1). The variant was observed in the following populations: South Asian in 4 of 30518 chromosomes (freq: 0.000131), European (non-Finnish) in 6 of 124768 chromosomes (freq: 0.000048) and African in 1 of 24396 chromosomes (freq: 0.000041), but was not observed in the Latino, Ashkenazi Jewish, East Asian, European (Finnish), or Other populations. This frequency is greater than expected for autosomal dominant centronuclear myopathy 4. Although the p.Arg288 residue is not conserved in mammals and other organisms, computational analyses (PolyPhen-2, SIFT, AlignGVGD, BLOSUM, MutationTaster) suggest that the variant may impact the protein. The variant occurs outside of the splicing consensus sequence and in silico or computational prediction software programs (SpliceSiteFinder, MaxEntScan, NNSPLICE, GeneSplicer) do not predict a difference in splicing. In summary, based on the above information the clinical significance of this variant cannot be determined with certainty at this time although we would lean towards a more benign role for this variant. This variant is classified as likely benign.